The following is an entry in ClinVar:

NM_024570.4(RNASEH2B):c.98dup (p.Asn33fs)

Gene: RNASEH2B (ribonuclease H2 subunit B; plus strand). Cytogenetic location: 13q14.3.
Variant type: Duplication.
Coding change: c.98dup on transcript NM_024570.4 (MANE Select); coding-DNA position 98, one base duplicated (A; older notation c.98dupA).
Protein change: p.Asn33fs; shifts the reading frame from asparagine 33.
Molecular consequence: frameshift variant.
Genome position (GRCh38, 1-based): chr13:50,927,440, A duplicated; the last of 5 consecutive A bases (chr13:50,927,436-50,927,440); duplicating any one gives the same sequence. VCF-style (leftmost placement, unchanged base first): chr13-50927435-G-GA. GRCh37 (hg19) VCF-style: chr13-51501571-G-GA.
Other names: c.98dup, p.Asn33fs (NM_001142279.2, NM_001411023.1); short protein forms N33fs.
Identifiers: ClinVar variation 3720083 (VCV003720083.2).

ClinVar aggregate classification (germline): Pathogenic (1 of 4 stars; one submission).

Conditions:
Aicardi-Goutieres syndrome 2. Identifiers: Orphanet 51, MedGen C3489724, MONDO:0012429, OMIM 610181.

Submission:

Labcorp Genetics (formerly Invitae), Labcorp
Classification: Pathogenic for Aicardi-Goutieres syndrome 2. Last evaluated: 2024-09-19. Review status: criteria provided, single submitter. Criteria: Invitae Variant Classification Sherloc (09022015). Collection method: clinical testing. Allele origin: germline.
Comment: This sequence change creates a premature translational stop signal (p.Asn33Lysfs*10) in the RNASEH2B gene. It is expected to result in an absent or disrupted protein product. Loss-of-function variants in RNASEH2B are known to be pathogenic (PMID: 17846997). This variant is not present in population databases (gnomAD no frequency). This variant has not been reported in the literature in individuals affected with RNASEH2B-related conditions. For these reasons, this variant has been classified as Pathogenic.

Literature cited by the submitters: PubMed 17846997.